The following is an entry in ClinVar:

NM_000059.4(BRCA2):c.8181del (p.Val2728fs)

Gene: BRCA2 (BRCA2 DNA repair associated; plus strand). Cytogenetic location: 13q13.1.
Variant type: Deletion.
Coding change: c.8181del on transcript NM_000059.4 (MANE Select); coding-DNA position 8181, one base deleted (T; older notation c.8181delT).
Protein change: p.Val2728fs; shifts the reading frame from valine 2728.
Molecular consequence: frameshift variant. On other transcripts: non-coding transcript variant (1).
Genome position (GRCh38, 1-based): chr13:32,363,383, T deleted. VCF-style (leftmost placement, unchanged base first): chr13-32363382-CT-C. GRCh37 (hg19) VCF-style: chr13-32937519-CT-C.
Other names: c.8085del, p.Val2696fs (NM_001406719.1); c.8181del, p.Val2728fs (NM_001406720.1); c.3249del, p.Val1084fs (NM_001406721.1); c.1764del, p.Val589fs (NM_001406722.1); short protein forms V1084fs, V2696fs, V2728fs, V589fs.
Identifiers: ClinVar variation 2680241 (VCV002680241.4), dbSNP rs2548546675, ClinGen allele CA2695199720.

ClinVar aggregate classification (germline): Pathogenic/Likely pathogenic. Review status: criteria provided, multiple submitters, no conflicts (2 of 4 stars). 2 submissions from 2 submitters: Pathogenic (1); Likely pathogenic (1). Last evaluated 2023-10-18.

Conditions:
Hereditary breast ovarian cancer syndrome. Also called: Hereditary breast and ovarian cancer syndrome; Hereditary breast and ovarian cancer syndrome (HBOC); BRCA1- and BRCA2-Associated Hereditary Breast and Ovarian Cancer; Hereditary breast and ovarian cancer; Breast and ovarian cancer; Hereditary breast and/or ovarian cancer syndrome. Identifiers: Orphanet 145, MedGen C0677776, MeSH D061325, MONDO:0003582. Disease mechanism: loss of function.
Familial cancer of breast. Also called: hereditary breast carcinoma; BREAST CANCER, FAMILIAL; Hereditary breast cancer. Identifiers: Orphanet 227535, MedGen C0346153, MONDO:0016419, OMIM 114480. Disease mechanism: loss of function.

Submissions (2):

Baylor Genetics
Classification: Likely pathogenic for Familial cancer of breast. Last evaluated: 2023-10-18. Review status: criteria provided, single submitter. Criteria: ACMG Guidelines, 2015. Collection method: clinical testing. Allele origin: unknown.

Labcorp Genetics (formerly Invitae), Labcorp
Classification: Pathogenic for Hereditary breast ovarian cancer syndrome. Last evaluated: 2023-04-02. Review status: criteria provided, single submitter. Criteria: Invitae Variant Classification Sherloc (09022015). Collection method: clinical testing. Allele origin: germline.
Comment: This sequence change creates a premature translational stop signal (p.Val2728Leufs*5) in the BRCA2 gene. It is expected to result in an absent or disrupted protein product. Loss-of-function variants in BRCA2 are known to be pathogenic (PMID: 20104584). This variant is not present in population databases (gnomAD no frequency). This variant has not been reported in the literature in individuals affected with BRCA2-related conditions. For these reasons, this variant has been classified as Pathogenic.

Literature cited by the submitters: PubMed 20104584 (cited by Labcorp Genetics (formerly Invitae), Labcorp).